The following is an entry in ClinVar:

NM_021076.4(NEFH):c.3019C>A (p.Pro1007Thr)

Gene: NEFH (neurofilament heavy chain; plus strand). Cytogenetic location: 22q12.2.
Variant type: single nucleotide variant.
Coding change: c.3019C>A on transcript NM_021076.4 (MANE Select); coding-DNA position 3019, C replaced by A.
Protein change: p.Pro1007Thr; replaces proline 1007 with threonine.
Molecular consequence: missense variant.
Genome position (GRCh38, 1-based): chr22:29,490,659, C>A. VCF-style: chr22-29490659-C-A. GRCh37 (hg19) VCF-style: chr22-29886648-C-A.
Other names: short protein forms P1007T.
Identifiers: ClinVar variation 1716285 (VCV001716285.5), dbSNP rs2517980050, ClinGen allele CA411139668.

ClinVar aggregate classification (germline): Uncertain significance (1 of 4 stars; one submission).

Submission:

Labcorp Genetics (formerly Invitae), Labcorp
Classification: Uncertain significance. Last evaluated: 2022-08-12. Review status: criteria provided, single submitter. Criteria: Invitae Variant Classification Sherloc (09022015). Collection method: clinical testing. Allele origin: germline.
Comment: In summary, the available evidence is currently insufficient to determine the role of this variant in disease. Therefore, it has been classified as a Variant of Uncertain Significance. Advanced modeling of protein sequence and biophysical properties (such as structural, functional, and spatial information, amino acid conservation, physicochemical variation, residue mobility, and thermodynamic stability) performed at Invitae indicates that this missense variant is not expected to disrupt NEFH protein function. This variant has not been reported in the literature in individuals affected with NEFH-related conditions. This variant is not present in population databases (gnomAD no frequency). This sequence change replaces proline, which is neutral and non-polar, with threonine, which is neutral and polar, at codon 1007 of the NEFH protein (p.Pro1007Thr).